The following is an entry in ClinVar:

ClinVar aggregate classification (germline): Likely benign. Review status: criteria provided, multiple submitters, no conflicts (2 of 4 stars). 3 submissions from 3 submitters: Likely benign (3). Last evaluated 2026-07-01.

Conditions:
Inborn genetic diseases. Identifiers: MedGen C0950123, MeSH D030342.
Mosaic variegated aneuploidy syndrome 1 (MVA1). Also called: Warburton-Anyane-Yeboa syndrome. Identifiers: Orphanet 1052, MedGen C1850343, MONDO:0009759, OMIM 257300.

Allele frequency attached by ClinVar (database versions not stated): gnomAD exomes 0.00002; ExAC 0.00003; gnomAD 0.00005; TOPMed 0.00006; ESP Exome Variant Server 0.00008; 1000 Genomes Project 30x 0.00031.
gnomAD v4.1: 20 of 1,614,160 alleles (0.0012%); highest among the groups gnomAD compares: African/African-American, 0.013%; no homozygotes.

Submissions (3):

CeGaT Center for Human Genetics Tuebingen
Classification: Likely benign. Last evaluated: 2026-07-01. Review status: criteria provided, single submitter. Criteria: CeGaT Center For Human Genetics Tuebingen Variant Classification Criteria Version 2. Collection method: clinical testing. Allele origin: germline. Affected: yes. Observed: 2 variant alleles.
Comment: BUB1B: BP4, BP7

Labcorp Genetics (formerly Invitae), Labcorp
Classification: Likely benign for Mosaic variegated aneuploidy syndrome 1. Last evaluated: 2022-09-23. Review status: criteria provided, single submitter. Criteria: Invitae Variant Classification Sherloc (09022015). Collection method: clinical testing. Allele origin: germline.

Ambry Genetics
Classification: Likely benign for Inborn genetic diseases. Last evaluated: 2022-02-12. Review status: criteria provided, single submitter. Criteria: Ambry Variant Classification Scheme 2023. Collection method: clinical testing. Allele origin: germline.

NM_001211.6(BUB1B):c.783A>G (p.Pro261=)

Gene: BUB1B (BUB1 mitotic checkpoint serine/threonine kinase B; plus strand). Cytogenetic location: 15q15.1.
Variant type: single nucleotide variant.
Coding change: c.783A>G on transcript NM_001211.6 (MANE Select); coding-DNA position 783, A replaced by G.
Protein change: p.Pro261=; no amino-acid change (proline 261 retained).
Molecular consequence: synonymous variant.
Genome position (GRCh38, 1-based): chr15:40,185,196, A>G. VCF-style: chr15-40185196-A-G. GRCh37 (hg19) VCF-style: chr15-40477397-A-G.
Identifiers: ClinVar variation 533916 (VCV000533916.35), dbSNP rs376912927, ClinGen allele CA7475571.
Genomic context (GRCh38, chr15:40,185,196, plus strand): 5'-ACATGAGGTTTTAATATTTTTGCTCCTAGCTCCAAGCCAGAACAGAGGACTCCAAAATCC[A>G]TTTCCTCAACAGATGCAAAATAATAGTAGAATTACTGTTTTTGATGAAAATGCTGATGAG-3'
Protein context (NP_001202.5, residues 251-271): APSQNRGLQN[Pro261=]FPQQMQNNSR